The following is an entry in ClinVar:

NM_006514.4(SCN10A):c.155G>A (p.Arg52Gln)

Gene: SCN10A (sodium voltage-gated channel alpha subunit 10; minus strand). Cytogenetic location: 3p22.2.
Variant type: single nucleotide variant.
Coding change: c.155G>A on transcript NM_006514.4 (MANE Select); coding-DNA position 155, G replaced by A.
Protein change: p.Arg52Gln; replaces arginine 52 with glutamine.
Molecular consequence: missense variant.
Genome position (GRCh38, 1-based): chr3:38,793,856, C>T on the plus strand (G>A on the coding strand, the complement: SCN10A is on the minus strand). VCF-style: chr3-38793856-C-T. GRCh37 (hg19) VCF-style: chr3-38835347-C-T.
Other names: c.155G>A, p.Arg52Gln (NM_001293306.2, NM_001293307.2); short protein forms R52Q.
Identifiers: ClinVar variation 1775226 (VCV001775226.6), dbSNP rs778340868, ClinGen allele CA2321296.

ClinVar aggregate classification (germline): Uncertain significance. Review status: criteria provided, multiple submitters, no conflicts (2 of 4 stars). 2 submissions from 2 submitters: Uncertain significance (2). Last evaluated 2026-04-16.

Conditions:
Cardiovascular phenotype. Identifiers: MedGen CN230736.

Allele frequency attached by ClinVar (database versions not stated): gnomAD exomes below 0.00001; ExAC 0.00001; gnomAD 0.00002; TOPMed 0.00005.
gnomAD v4.1: 6 of 1,613,910 alleles (0.00037%); highest among the groups gnomAD compares: African/African-American, 0.0067%; no homozygotes.

Submissions (2):

GeneDx
Classification: Uncertain significance. Last evaluated: 2026-04-16. Review status: criteria provided, single submitter. Criteria: GeneDx Variant Classification Process June 2021. Collection method: clinical testing. Allele origin: germline.
Comment: Not observed at significant frequency in large population cohorts (gnomAD); In silico analysis suggests that this missense variant does not alter protein structure/function; Has not been previously published as pathogenic or benign to our knowledge

Ambry Genetics
Classification: Uncertain significance for Cardiovascular phenotype. Last evaluated: 2025-11-13. Review status: criteria provided, single submitter. Criteria: Ambry Variant Classification Scheme 2023. Collection method: clinical testing. Allele origin: germline.